The following is an entry in ClinVar:

ClinVar aggregate classification (germline): Uncertain significance. Review status: criteria provided, multiple submitters, no conflicts (2 of 4 stars). 2 submissions from 2 submitters: Uncertain significance (2). Last evaluated 2021-08-27.

Conditions:
Spastic paraplegia. Identifiers: MedGen C0037772, HP:0001258.
Hereditary spastic paraplegia. Also called: Familial spastic paraparesis. Identifiers: Orphanet 685, MedGen C0037773, MONDO:0019064. Disease mechanism: loss of function.

Allele frequency attached by ClinVar (database versions not stated): gnomAD exomes below 0.00001 and 0.00001; ExAC 0.00001; gnomAD 0.00001; TOPMed 0.00002.
gnomAD v4.1: 10 of 1,614,040 alleles (0.00062%); highest among the groups gnomAD compares: East Asian, 0.0089%; no homozygotes.

Submissions (2):

Labcorp Genetics (formerly Invitae), Labcorp
Classification: Uncertain significance for Spastic paraplegia. Last evaluated: 2021-08-27. Review status: criteria provided, single submitter. Criteria: Invitae Variant Classification Sherloc (09022015). Collection method: clinical testing. Allele origin: germline.
Comment: This sequence change replaces arginine with glutamine at codon 728 of the ZFYVE26 protein (p.Arg728Gln). The arginine residue is moderately conserved and there is a small physicochemical difference between arginine and glutamine. This variant is present in population databases (rs770927853, ExAC 0.002%). This variant has not been reported in the literature in individuals affected with ZFYVE26-related conditions. Algorithms developed to predict the effect of missense changes on protein structure and function output the following: SIFT: "Tolerated"; PolyPhen-2: "Benign"; Align-GVGD: "Class C0". The glutamine amino acid residue is found in multiple mammalian species, which suggests that this missense change does not adversely affect protein function. In summary, the available evidence is currently insufficient to determine the role of this variant in disease. Therefore, it has been classified as a Variant of Uncertain Significance.

Unit for Genetic & Epidemiological Research on Neurological Disorders, Instituto de Investigação e Inovação em Saúde
Classification: Uncertain significance for Hereditary spastic paraplegia. Last evaluated: 2017-03-07. Review status: criteria provided, single submitter. Criteria: Morais et al. (Eur J Hum Genet. 2017). Collection method: research. Allele origin: unknown. Affected: yes.

NM_015346.4(ZFYVE26):c.2183G>A (p.Arg728Gln)

Gene: ZFYVE26 (zinc finger FYVE-type containing 26; minus strand). Cytogenetic location: 14q24.1.
Variant type: single nucleotide variant.
Coding change: c.2183G>A on transcript NM_015346.4 (MANE Select); coding-DNA position 2183, G replaced by A.
Protein change: p.Arg728Gln; replaces arginine 728 with glutamine.
Molecular consequence: missense variant.
Genome position (GRCh38, 1-based): chr14:67,798,079, C>T on the plus strand (G>A on the coding strand, the complement: ZFYVE26 is on the minus strand). VCF-style: chr14-67798079-C-T. GRCh37 (hg19) VCF-style: chr14-68264796-C-T.
Other names: short protein forms R728Q.
Identifiers: ClinVar variation 424690 (VCV000424690.2), dbSNP rs770927853, ClinGen allele CA7240384.
Genomic context (GRCh38, chr14:67,798,079, plus strand): 5'-CGATGGTTGCTTGTCACCACCTTGTGTCTCCACTGGGCCTCAGAGACAACCTTGGAAAGT[C>T]GATGCAGGCGGCTCTGCAGTCCATCTCTGCTTCCTGAGCAGCTCTGACTTTCTTGCTTTG-3'
Protein context (NP_056161.2, residues 718-738): SRDGLQSRLH[Arg728Gln]LSKVVSEAQW